The following is an entry in ClinVar:

NM_000264.5(PTCH1):c.503A>G (p.Asn168Ser)

Gene: PTCH1 (patched 1; minus strand). Cytogenetic location: 9q22.32.
Variant type: single nucleotide variant.
Coding change: c.503A>G on transcript NM_000264.5 (MANE Select); coding-DNA position 503, A replaced by G.
Protein change: p.Asn168Ser; replaces asparagine 168 with serine.
Molecular consequence: missense variant. On other transcripts: non-coding transcript variant (1).
Genome position (GRCh38, 1-based): chr9:95,485,766, T>C on the plus strand (A>G on the coding strand, the complement: PTCH1 is on the minus strand). VCF-style: chr9-95485766-T-C. GRCh37 (hg19) VCF-style: chr9-98248048-T-C.
Other names: c.305A>G, p.Asn102Ser (NM_001083602.3, NM_001354919.2); c.500A>G, p.Asn167Ser (NM_001083603.3); c.50A>G, p.Asn17Ser (NM_001083604.3, NM_001083605.3, NM_001083606.3 and 1 more transcripts); c.503A>G, p.Asn168Ser (NM_001354918.2); short protein forms N102S, N167S, N168S, N17S.
Identifiers: ClinVar variation 3311171 (VCV003311171.1).

ClinVar aggregate classification (germline): Uncertain significance (1 of 4 stars; one submission).

Conditions:
Hereditary cancer-predisposing syndrome. Also called: Neoplastic Syndromes, Hereditary; Tumor predisposition; Hereditary neoplastic syndrome; Hereditary Cancer Syndrome. Identifiers: Orphanet 140162, MedGen C0027672, MeSH D009386, MONDO:0015356.

Submission:

Ambry Genetics
Classification: Uncertain significance for Hereditary cancer-predisposing syndrome. Last evaluated: 2024-05-14. Review status: criteria provided, single submitter. Criteria: Ambry Variant Classification Scheme 2023. Collection method: clinical testing. Allele origin: germline.
Comment: The p.N168S variant (also known as c.503A>G), located in coding exon 3 of the PTCH1 gene, results from an A to G substitution at nucleotide position 503. The asparagine at codon 168 is replaced by serine, an amino acid with highly similar properties. This amino acid position is well conserved in available vertebrate species. In addition, this alteration is predicted to be tolerated by in silico analysis. Based on the available evidence, the clinical significance of this variant remains unclear.